The following is an entry in ClinVar:

NM_002386.4(MC1R):c.545_*590del (p.Tyr182fs)

Gene: MC1R (melanocortin 1 receptor; plus strand). Cytogenetic location: 16q24.3.
Variant type: Deletion.
Coding change: c.545_*590del on transcript NM_002386.4 (MANE Select); coding-DNA position 545 through 590 bases downstream of the stop codon, 1,000 bases deleted.
Protein change: p.Tyr182fs; shifts the reading frame from tyrosine 182.
Molecular consequence: frameshift variant.
Genome position (GRCh38, 1-based): chr16:89,919,803-89,920,802, 1,000 bases deleted. GRCh37 (hg19): chr16:89,986,211-89,987,210.
Other names: short protein forms Y182fs.
Identifiers: ClinVar variation 538158 (VCV000538158.1), dbSNP rs1555623833, ClinGen allele CA658798660.

ClinVar aggregate classification (germline): Uncertain significance (1 of 4 stars; one submission).

Conditions:
Melanoma, cutaneous malignant, susceptibility to, 5. Also called: Cutaneous malignant melanoma 5. Identifiers: Orphanet 618, MedGen C2751295, MONDO:0013133, OMIM 613099.

Submission:

Labcorp Genetics (formerly Invitae), Labcorp
Classification: Uncertain significance for Melanoma, cutaneous malignant, susceptibility to, 5. Last evaluated: 2017-11-19. Review status: criteria provided, single submitter. Criteria: Invitae Variant Classification Sherloc (09022015). Collection method: clinical testing. Allele origin: germline.
Comment: This variant is a gross deletion of the MC1R single exon gene (c.544_*590del), andÂ¬â€ encompasses ~40% of the coding sequence. While this deletion is not anticipated to result in nonsense mediated decay, it is expected to create a truncated protein product. This variant has not been reported in the literature in individuals with MC1R-related disease. In summary, the available evidence is currently insufficient to determine the role of this variant in disease. Therefore, it has been classified as a Variant of Uncertain Significance.